The following is an entry in ClinVar:

ClinVar aggregate classification (germline): Uncertain significance. Review status: criteria provided, multiple submitters, no conflicts (2 of 4 stars). 2 submissions from 2 submitters: Uncertain significance (2). Last evaluated 2025-12-10.

Conditions:
Cognitive impairment - coarse facies - heart defects - obesity - pulmonary involvement - short stature - skeletal dysplasia syndrome. Also called: AFF4-Related CHOPS Syndrome; COGNITIVE IMPAIRMENT, COARSE FACIES, HEART DEFECTS, OBESITY, PULMONARY INVOLVEMENT, SHORT STATURE, AND SKELETAL DYSPLASIA; Chops syndrome. Identifiers: Orphanet 444077, MedGen C4085597, MONDO:0014609, OMIM 616368.
AFF4-related disorder. Also called: AFF4-related condition.

gnomAD v4.1: 30 of 1,614,060 alleles (0.0019%); highest among the groups gnomAD compares: South Asian, 0.011%; no homozygotes.

Submissions (2):

Labcorp Genetics (formerly Invitae), Labcorp
Classification: Uncertain significance for Cognitive impairment - coarse facies - heart defects - obesity - pulmonary involvement - short stature - skeletal dysplasia syndrome. Last evaluated: 2025-12-10. Review status: criteria provided, single submitter. Criteria: Invitae Variant Classification Sherloc (09022015). Collection method: clinical testing. Allele origin: germline.
Comment: This sequence change replaces tyrosine, which is neutral and polar, with cysteine, which is neutral and slightly polar, at codon 1105 of the AFF4 protein (p.Tyr1105Cys). This variant is present in population databases (rs775632721, gnomAD 0.01%). This variant has not been reported in the literature in individuals affected with AFF4-related conditions. ClinVar contains an entry for this variant (Variation ID: 3730078). Invitae Evidence Modeling of protein sequence and biophysical properties (such as structural, functional, and spatial information, amino acid conservation, physicochemical variation, residue mobility, and thermodynamic stability) indicates that this missense variant is expected to disrupt AFF4 protein function with a positive predictive value of 80%. In summary, the available evidence is currently insufficient to determine the role of this variant in disease. Therefore, it has been classified as a Variant of Uncertain Significance.

PreventionGenetics, part of Exact Sciences
Classification: Uncertain significance for AFF4-related condition. Last evaluated: 2025-03-18. Review status: criteria provided, single submitter. Criteria: ACMG Guidelines, 2015. Collection method: clinical testing. Allele origin: germline.
Comment: The AFF4 c.3314A>G variant is predicted to result in the amino acid substitution p.Tyr1105Cys. To our knowledge, this variant has not been reported in the literature. This variant is reported in 0.013% of alleles in individuals of South Asian descent in gnomAD, which may be too common to be an unreported cause of disease. Although we suspect that this variant may be benign, at this time, the clinical significance of this variant is uncertain due to the absence of conclusive functional and genetic evidence.

NM_014423.4(AFF4):c.3314A>G (p.Tyr1105Cys)

Gene: AFF4 (ALF transcription elongation factor 4; minus strand). Cytogenetic location: 5q31.1.
Variant type: single nucleotide variant.
Coding change: c.3314A>G on transcript NM_014423.4 (MANE Select); coding-DNA position 3314, A replaced by G.
Protein change: p.Tyr1105Cys; replaces tyrosine 1105 with cysteine.
Molecular consequence: missense variant.
Genome position (GRCh38, 1-based): chr5:132,883,390, T>C on the plus strand (A>G on the coding strand, the complement: AFF4 is on the minus strand). VCF-style: chr5-132883390-T-C. GRCh37 (hg19) VCF-style: chr5-132219082-T-C.
Other names: c.3314A>G (NM_014423.3); short protein forms Y1105C.
Identifiers: ClinVar variation 3730078 (VCV003730078.3).
Genomic context (GRCh38, chr5:132,883,390, plus strand): 5'-ACCTACCTACCTTTTTGCTCTTTGGAAAGCTGTTCAGCTTGGTCCCAAATTTCGGTGGCA[T>C]AGAGGAAGTTGGATGTGACCTGAACATAGCTGGCTGCCATCTGGTGGATCTTCTGTGGAA-3'
Protein context (NP_055238.1, residues 1095-1115): SYVQVTSNFL[Tyr1105Cys]ATEIWDQAEQ